The following is an entry in ClinVar:

NM_016252.4(BIRC6):c.4541G>A (p.Gly1514Asp)

Gene: BIRC6 (baculoviral IAP repeat containing 6; plus strand). Cytogenetic location: 2p22.3.
Variant type: single nucleotide variant.
Coding change: c.4541G>A on transcript NM_016252.4 (MANE Select); coding-DNA position 4541, G replaced by A.
Protein change: p.Gly1514Asp; replaces glycine 1514 with aspartic acid.
Molecular consequence: missense variant.
Genome position (GRCh38, 1-based): chr2:32,448,851, G>A. VCF-style: chr2-32448851-G-A. GRCh37 (hg19) VCF-style: chr2-32673919-G-A.
Other names: c.4499G>A, p.Gly1500Asp (NM_001378125.1); short protein forms G1500D, G1514D.
Identifiers: ClinVar variation 5000073 (VCV005000073.1).

ClinVar aggregate classification (germline): Uncertain significance (1 of 4 stars; one submission).

Conditions:
BIRC6-related disorder. Also called: BIRC6-related condition.

Submission:

PreventionGenetics, part of Exact Sciences
Classification: Uncertain significance for BIRC6-related condition. Last evaluated: 2025-06-04. Review status: criteria provided, single submitter. Criteria: ACMG Guidelines, 2015. Collection method: clinical testing. Allele origin: germline.
Comment: The BIRC6 c.4541G>A variant is predicted to result in the amino acid substitution p.Gly1514Asp. To our knowledge, this variant has not been reported in the literature or in a large population database (gnomAD), indicating this variant is rare. At this time, the clinical significance of this variant is uncertain due to the absence of conclusive functional and genetic evidence.